The following is an entry in ClinVar:

ClinVar aggregate classification (germline): Likely benign (0 of 4 stars; one submission).

Conditions:
MGAM-related disorder. Also called: MGAM-related condition.

Allele frequency attached by ClinVar (database versions not stated): gnomAD 0.00146; 1000 Genomes Project 0.00160; TOPMed 0.00167; ExAC 0.00171; 1000 Genomes Project 30x 0.00172; ESP Exome Variant Server 0.00235; gnomAD exomes 0.00258.
gnomAD v4.1: 3,937 of 1,608,974 alleles (0.24%); highest among the groups gnomAD compares: Non-Finnish European, 0.3%; 9 homozygotes.

Submission:

PreventionGenetics, part of Exact Sciences
Classification: Likely benign for MGAM-related condition. Last evaluated: 2022-03-02. Review status: no assertion criteria provided. Collection method: clinical testing. Allele origin: germline.
Comment: This variant is classified as likely benign based on ACMG/AMP sequence variant interpretation guidelines (Richards et al. 2015 PMID: 25741868, with internal and published modifications).

NM_001365693.1(MGAM):c.8035A>G (p.Ile2679Val)

Gene: MGAM (maltase-glucoamylase; plus strand). Cytogenetic location: 7q34.
Variant type: single nucleotide variant.
Coding change: c.8035A>G on transcript NM_001365693.1 (MANE Select); coding-DNA position 8035, A replaced by G.
Protein change: p.Ile2679Val; replaces isoleucine 2679 with valine.
Molecular consequence: missense variant.
Genome position (GRCh38, 1-based): chr7:142,103,290, A>G. VCF-style: chr7-142103290-A-G. GRCh37 (hg19) VCF-style: chr7-141803090-A-G.
Other names: c.5347A>G, p.Ile1783Val (NM_004668.3); short protein forms I1783V, I2679V.
Identifiers: ClinVar variation 3041916 (VCV003041916.2), dbSNP rs140217455, ClinGen allele CA168441633.